The following is an entry in ClinVar:

NM_206937.2(LIG4):c.806del (p.Tyr269fs)

Gene: LIG4 (DNA ligase 4; minus strand). Cytogenetic location: 13q33.3.
Variant type: Deletion.
Coding change: c.806del on transcript NM_206937.2 (MANE Select); coding-DNA position 806, one base deleted (A; older notation c.806delA).
Protein change: p.Tyr269fs; shifts the reading frame from tyrosine 269.
Molecular consequence: frameshift variant.
Genome position (GRCh38, 1-based): chr13:108,210,463, T deleted on the plus strand (A on the coding strand, the reverse complement: LIG4 is on the minus strand). VCF-style (leftmost placement, unchanged base first): chr13-108210462-GT-G. GRCh37 (hg19) VCF-style: chr13-108862810-GT-G.
Other names: c.806del, p.Tyr269fs (NM_001098268.2, NM_001352598.2, NM_001352599.2 and 6 more transcripts); c.605del, p.Tyr202fs (NM_001330595.2); c.842del, p.Tyr281fs (NM_001352604.2); short protein forms Y281fs, Y202fs, Y269fs.
Identifiers: ClinVar variation 3684744 (VCV003684744.2).

ClinVar aggregate classification (germline): Pathogenic (1 of 4 stars; one submission).

Conditions:
DNA ligase IV deficiency. Identifiers: Orphanet 99812, MedGen C1847827, MONDO:0011686, OMIM 606593.

Submission:

Labcorp Genetics (formerly Invitae), Labcorp
Classification: Pathogenic for DNA ligase IV deficiency. Last evaluated: 2024-11-10. Review status: criteria provided, single submitter. Criteria: Invitae Variant Classification Sherloc (09022015). Collection method: clinical testing. Allele origin: germline.
Comment: This sequence change creates a premature translational stop signal (p.Tyr269Serfs*2) in the LIG4 gene. While this is not anticipated to result in nonsense mediated decay, it is expected to disrupt the last 643 amino acid(s) of the LIG4 protein. This variant is not present in population databases (gnomAD no frequency). This variant has not been reported in the literature in individuals affected with LIG4-related conditions. This variant disrupts a region of the LIG4 protein in which other variant(s) (p.Gln904*) have been determined to be pathogenic (PMID: 34630384). This suggests that this is a clinically significant region of the protein, and that variants that disrupt it are likely to be disease-causing. For these reasons, this variant has been classified as Pathogenic.

Literature cited by the submitters: PubMed 34630384.